The following is an entry in ClinVar:

NM_001205293.3(CACNA1E):c.6067A>T (p.Thr2023Ser)

Gene: CACNA1E (calcium voltage-gated channel subunit alpha1 E; plus strand). Cytogenetic location: 1q25.3.
Variant type: single nucleotide variant.
Coding change: c.6067A>T on transcript NM_001205293.3 (MANE Select); coding-DNA position 6067, A replaced by T.
Protein change: p.Thr2023Ser; replaces threonine 2023 with serine.
Molecular consequence: missense variant.
Genome position (GRCh38, 1-based): chr1:181,794,903, A>T. VCF-style: chr1-181794903-A-T. GRCh37 (hg19) VCF-style: chr1-181764039-A-T.
Other names: c.5938A>T, p.Thr1980Ser (NM_000721.4); c.5881A>T, p.Thr1961Ser (NM_001205294.2); c.6067A>T (NM_001205293.1); short protein forms T1961S, T1980S, T2023S.
Identifiers: ClinVar variation 1700755 (VCV001700755.25), dbSNP rs762994535, ClinGen allele CA1276315.
Genomic context (GRCh38, chr1:181,794,903, plus strand): 5'-TCTGGGGGCTTGTATTTCCAGGTGGTGACAGACCCTAGCTCCATGAGACGTTCATTTTCC[A>T]CTATTCGGGATAAGCGTTCAAATTCCTCGTGGTTGGAGGAATTCTCCATGGAGCGAAGCA-3'
Protein context (NP_001192222.1, residues 2013-2033): DPSSMRRSFS[Thr2023Ser]IRDKRSNSSW

ClinVar aggregate classification (germline): Conflicting classifications of pathogenicity. Review status: criteria provided, conflicting classifications (1 of 4 stars). 4 submissions from 4 submitters: Uncertain significance (3); Likely benign (1). Last evaluated 2025-10-20.

Conditions:
Inborn genetic diseases. Identifiers: MedGen C0950123, MeSH D030342.

Allele frequency attached by ClinVar (database versions not stated): ExAC 0.00001; gnomAD 0.00001; gnomAD exomes 0.00001; TOPMed 0.00002.
gnomAD v4.1: 20 of 1,613,488 alleles (0.0012%); highest among the groups gnomAD compares: Non-Finnish European, 0.0014%; no homozygotes.

Submissions (4):

Labcorp Genetics (formerly Invitae), Labcorp
Classification: Uncertain significance. Last evaluated: 2025-10-20. Review status: criteria provided, single submitter. Criteria: Invitae Variant Classification Sherloc (09022015). Collection method: clinical testing. Allele origin: germline.
Comment: This sequence change replaces threonine, which is neutral and polar, with serine, which is neutral and polar, at codon 1980 of the CACNA1E protein (p.Thr1980Ser). This variant is present in population databases (rs762994535, gnomAD 0.0009%). This variant has not been reported in the literature in individuals affected with CACNA1E-related conditions. ClinVar contains an entry for this variant (Variation ID: 1700755). Invitae Evidence Modeling of protein sequence and biophysical properties (such as structural, functional, and spatial information, amino acid conservation, physicochemical variation, residue mobility, and thermodynamic stability) indicates that this missense variant is not expected to disrupt CACNA1E protein function with a negative predictive value of 95%. In summary, the available evidence is currently insufficient to determine the role of this variant in disease. Therefore, it has been classified as a Variant of Uncertain Significance.

Ambry Genetics
Classification: Likely benign for Inborn genetic diseases. Last evaluated: 2025-04-25. Review status: criteria provided, single submitter. Criteria: Ambry Variant Classification Scheme 2023. Collection method: clinical testing. Allele origin: germline.

CeGaT Center for Human Genetics Tuebingen
Classification: Uncertain significance. Last evaluated: 2024-01-01. Review status: criteria provided, single submitter. Criteria: CeGaT Center For Human Genetics Tuebingen Variant Classification Criteria Version 2. Collection method: clinical testing. Allele origin: germline. Affected: yes. Observed: 1 variant allele.

GeneDx
Classification: Uncertain significance. Last evaluated: 2022-04-22. Review status: criteria provided, single submitter. Criteria: GeneDx Variant Classification Process June 2021. Collection method: clinical testing. Allele origin: germline. Affected: yes.
Comment: In silico analysis supports that this missense variant has a deleterious effect on protein structure/function; Has not been previously published as pathogenic or benign to our knowledge